The following is an entry in ClinVar:

NM_003200.5(TCF3):c.1181A>G (p.Glu394Gly)

Gene: TCF3 (transcription factor 3; minus strand). Cytogenetic location: 19p13.3.
Variant type: single nucleotide variant.
Coding change: c.1181A>G on transcript NM_003200.5 (MANE Select); coding-DNA position 1181, A replaced by G.
Protein change: p.Glu394Gly; replaces glutamic acid 394 with glycine.
Molecular consequence: missense variant.
Genome position (GRCh38, 1-based): chr19:1,619,461, T>C on the plus strand (A>G on the coding strand, the complement: TCF3 is on the minus strand). VCF-style: chr19-1619461-T-C. GRCh37 (hg19) VCF-style: chr19-1619460-T-C.
Other names: c.1181A>G, p.Glu394Gly (NM_001136139.4, NM_001351779.2); c.1178A>G, p.Glu393Gly (NM_001351778.2); short protein forms E394G, E393G.
Identifiers: ClinVar variation 1360933 (VCV001360933.8), dbSNP rs2146001124, ClinGen allele CA403053486.
Genomic context (GRCh38, chr19:1,619,461, plus strand): 5'-TCGCCGGCTGTGCCCACGGCGTGGCTGCGGAGCACGTGGATGGCCTCGTCCAGGTGGTCT[T>C]CTATCTTACTCTGCTGCAGGGTGGGGGGATGGGTGGTGAGGGGCCCAAGCCGAGGGACCC-3'
Protein context (NP_003191.1, residues 384-404): GGLHGLQSKI[Glu394Gly]DHLDEAIHVL

ClinVar aggregate classification (germline): Uncertain significance (1 of 4 stars; one submission).

Submission:

Labcorp Genetics (formerly Invitae), Labcorp
Classification: Uncertain significance. Last evaluated: 2021-06-18. Review status: criteria provided, single submitter. Criteria: Invitae Variant Classification Sherloc (09022015). Collection method: clinical testing. Allele origin: germline.
Comment: In summary, the available evidence is currently insufficient to determine the role of this variant in disease. Therefore, it has been classified as a Variant of Uncertain Significance. Algorithms developed to predict the effect of missense changes on protein structure and function are either unavailable or do not agree on the potential impact of this missense change (SIFT: "Not Available"; PolyPhen-2: "Probably Damaging"; Align-GVGD: "Not Available"). This variant has not been reported in the literature in individuals with TCF3-related conditions. This sequence change replaces glutamic acid with glycine at codon 394 of the TCF3 protein (p.Glu394Gly). The glutamic acid residue is highly conserved and there is a moderate physicochemical difference between glutamic acid and glycine. This variant is not present in population databases (ExAC no frequency).